The following is an entry in ClinVar:

NM_001378418.1(TCF20):c.916C>T (p.Pro306Ser)

Gene: TCF20 (transcription factor 20; minus strand). Cytogenetic location: 22q13.2.
Variant type: single nucleotide variant.
Coding change: c.916C>T on transcript NM_001378418.1 (MANE Select); coding-DNA position 916, C replaced by T.
Protein change: p.Pro306Ser; replaces proline 306 with serine.
Molecular consequence: missense variant.
Genome position (GRCh38, 1-based): chr22:42,214,390, G>A on the plus strand (C>T on the coding strand, the complement: TCF20 is on the minus strand). VCF-style: chr22-42214390-G-A. GRCh37 (hg19) VCF-style: chr22-42610396-G-A.
Other names: c.916C>T, p.Pro306Ser (NM_005650.4, NM_181492.3); short protein forms P306S.
Identifiers: ClinVar variation 2718717 (VCV002718717.3), dbSNP rs1217179826, ClinGen allele CA411791958.
Genomic context (GRCh38, chr22:42,214,390, plus strand): 5'-GAGAAGGGTGTTGTTGTTGCTGCGGTTGCTGCTGCTGCTGCCCCTGTTGGGTCCCTTGTG[G>A]AATCTTTGCCTGTTCAAAATTCTTCATAGATTGAGGCTGATAGCTGTAATTGGATTGTGT-3'
Protein context (NP_001365347.1, residues 296-316): SMKNFEQAKI[Pro306Ser]QGTQQGQQQQ

ClinVar aggregate classification (germline): Uncertain significance (1 of 4 stars; one submission).

Submission:

Labcorp Genetics (formerly Invitae), Labcorp
Classification: Uncertain significance. Last evaluated: 2023-04-17. Review status: criteria provided, single submitter. Criteria: Invitae Variant Classification Sherloc (09022015). Collection method: clinical testing. Allele origin: germline.
Comment: This variant has not been reported in the literature in individuals affected with TCF20-related conditions. In summary, the available evidence is currently insufficient to determine the role of this variant in disease. Therefore, it has been classified as a Variant of Uncertain Significance. An algorithm developed to predict the effect of missense changes on protein structure and function (PolyPhen-2) suggests that this variant is likely to be disruptive. This variant is not present in population databases (gnomAD no frequency). This sequence change replaces proline, which is neutral and non-polar, with serine, which is neutral and polar, at codon 306 of the TCF20 protein (p.Pro306Ser).